The following is an entry in ClinVar:

NM_001364905.1(LRBA):c.6053A>G (p.Asp2018Gly)

Gene: LRBA (LPS responsive beige-like anchor protein; minus strand). Cytogenetic location: 4q31.3.
Variant type: single nucleotide variant.
Coding change: c.6053A>G on transcript NM_001364905.1 (MANE Select); coding-DNA position 6053, A replaced by G.
Protein change: p.Asp2018Gly; replaces aspartic acid 2018 with glycine.
Molecular consequence: missense variant.
Genome position (GRCh38, 1-based): chr4:150,590,853, T>C on the plus strand (A>G on the coding strand, the complement: LRBA is on the minus strand). VCF-style: chr4-150590853-T-C. GRCh37 (hg19) VCF-style: chr4-151512005-T-C.
Other names: p.Asp2029Gly; c.6053A>G, p.Asp2018Gly (NM_001199282.3, NM_001367550.1); c.6086A>G, p.Asp2029Gly (NM_006726.5); short protein forms D2018G, D2029G.
Identifiers: ClinVar variation 951846 (VCV000951846.13), dbSNP rs891747847, ClinGen allele CA108378405.

ClinVar aggregate classification (germline): Uncertain significance. Review status: criteria provided, multiple submitters, no conflicts (2 of 4 stars). 5 submissions from 5 submitters: Uncertain significance (4). 1 of the submissions does not count toward it. Last evaluated 2024-03-07.

Conditions:
Combined immunodeficiency due to LRBA deficiency. Also called: Common variable immunodeficiency 8, with autoimmunity. Identifiers: Orphanet 445018, MedGen C3553512, MONDO:0013863, OMIM 614700.

Allele frequency attached by ClinVar (database versions not stated): gnomAD exomes below 0.00001; TOPMed 0.00002; gnomAD 0.00001.
gnomAD v4.1: 15 of 1,613,654 alleles (0.00093%); highest among the groups gnomAD compares: African/African-American, 0.004%; no homozygotes.

Submissions (5):

Mayo Clinic Laboratories, Mayo Clinic
Classification: Uncertain significance. Last evaluated: 2024-03-07. Review status: criteria provided, single submitter. Criteria: ACMG Guidelines, 2015. Collection method: clinical testing. Allele origin: germline. Observed: 1 variant allele.
Comment: BP4

Labcorp Genetics (formerly Invitae), Labcorp
Classification: Uncertain significance for Combined immunodeficiency due to LRBA deficiency. Last evaluated: 2023-12-18. Review status: criteria provided, single submitter. Criteria: Invitae Variant Classification Sherloc (09022015). Collection method: clinical testing. Allele origin: germline.
Comment: This sequence change replaces aspartic acid, which is acidic and polar, with glycine, which is neutral and non-polar, at codon 2029 of the LRBA protein (p.Asp2029Gly). This variant is present in population databases (no rsID available, gnomAD 0.01%). This variant has not been reported in the literature in individuals affected with LRBA-related conditions. ClinVar contains an entry for this variant (Variation ID: 951846). Advanced modeling of protein sequence and biophysical properties (such as structural, functional, and spatial information, amino acid conservation, physicochemical variation, residue mobility, and thermodynamic stability) performed at Invitae indicates that this missense variant is not expected to disrupt LRBA protein function with a negative predictive value of 80%. In summary, the available evidence is currently insufficient to determine the role of this variant in disease. Therefore, it has been classified as a Variant of Uncertain Significance.

Blueprint Genetics
Classification: Uncertain significance. Last evaluated: 2023-02-03. Review status: criteria provided, single submitter. Criteria: ACMG Guidelines, 2015. Collection method: clinical testing. Allele origin: germline.

Breakthrough Genomics
Classification: Uncertain significance. Review status: criteria provided, single submitter. Criteria: ACMG Guidelines, 2015. Collection method: not provided. Allele origin: germline. Inheritance: Autosomal recessive inheritance. Affected: yes.

UOSD Laboratory of Genetics & Genomics of Rare Diseases, Istituto Giannina Gaslini
Classification: Likely benign for Combined immunodeficiency due to LRBA deficiency. Last evaluated: 2020-05-21. Review status: no assertion criteria provided. Collection method: clinical testing. Allele origin: germline. Affected: yes. Observed: 1 variant allele. Not counted in ClinVar's aggregate classification.